The following is an entry in ClinVar:

ClinVar aggregate classification (germline): Pathogenic (1 of 4 stars; one submission).

Conditions:
Inborn genetic diseases. Identifiers: MedGen C0950123, MeSH D030342.

Submission:

Ambry Genetics
Classification: Pathogenic for Inborn genetic diseases. Last evaluated: 2026-03-03. Review status: criteria provided, single submitter. Criteria: Ambry Variant Classification Scheme 2023. Collection method: clinical testing. Allele origin: germline.
Comment: The c.4944delA (p.E1648Dfs*7) alteration, located in exon 11 (coding exon 11) of the SPEN gene, consists of a deletion of one nucleotide at position 4944, causing a translational frameshift with a predicted alternate stop codon after 7 amino acids. This variant is expected to result in loss of function by premature protein truncation or nonsense-mediated mRNA decay. This variant was not reported in population-based cohorts in the Genome Aggregation Database (gnomAD). Based on the available evidence, this alteration is classified as pathogenic.

NM_015001.3(SPEN):c.4944del (p.Glu1648fs)

Gene: SPEN (spen family transcriptional repressor; plus strand). Cytogenetic location: 1p36.13.
Variant type: Deletion.
Coding change: c.4944del on transcript NM_015001.3 (MANE Select); coding-DNA position 4944, one base deleted (A; older notation c.4944delA).
Protein change: p.Glu1648fs; shifts the reading frame from glutamic acid 1648.
Molecular consequence: frameshift variant.
Genome position (GRCh38, 1-based): chr1:15,931,184, A deleted; the last of 2 consecutive A bases (chr1:15,931,183-15,931,184); deleting either gives the same sequence. VCF-style (leftmost placement, unchanged base first): chr1-15931182-GA-G. GRCh37 (hg19) VCF-style: chr1-16257677-GA-G.
Other names: short protein forms E1648fs.
Identifiers: ClinVar variation 4840689 (VCV004840689.1).